The following is an entry in ClinVar:

NM_020922.5(WNK3):c.450C>A (p.Asp150Glu)

Gene: WNK3 (WNK lysine deficient protein kinase 3; minus strand). Cytogenetic location: Xp11.22.
Variant type: single nucleotide variant.
Coding change: c.450C>A on transcript NM_020922.5 (MANE Select); coding-DNA position 450, C replaced by A.
Protein change: p.Asp150Glu; replaces aspartic acid 150 with glutamic acid.
Molecular consequence: missense variant.
Genome position (GRCh38, 1-based): chrX:54,333,224, G>T on the plus strand (C>A on the coding strand, the complement: WNK3 is on the minus strand). VCF-style: chrX-54333224-G-T. GRCh37 (hg19) VCF-style: chrX-54359657-G-T.
Other names: c.450C>A, p.Asp150Glu (NM_001002838.4, NM_001395166.1); short protein forms D150E.
Identifiers: ClinVar variation 4086325 (VCV004086325.1).

ClinVar aggregate classification (germline): Uncertain significance (1 of 4 stars; one submission).

Submission:

GeneDx
Classification: Uncertain significance. Last evaluated: 2025-03-18. Review status: criteria provided, single submitter. Criteria: GeneDx Variant Classification Process June 2021. Collection method: clinical testing. Allele origin: germline. Affected: yes.
Comment: Not observed at significant frequency in large population cohorts (gnomAD); In silico analysis supports that this missense variant has a deleterious effect on protein structure/function; Has not been previously published as pathogenic or benign to our knowledge